The following is an entry in ClinVar:

ClinVar aggregate classification (germline): Benign/Likely benign. Review status: criteria provided, multiple submitters, no conflicts (2 of 4 stars). 9 submissions from 9 submitters: Benign (5); Likely benign (4). Last evaluated 2025-12-03.

Conditions:
Autosomal dominant cerebellar ataxia. Also called: Spinocerebellar Ataxia, Dominant. Identifiers: Orphanet 99, MedGen C4087347, MONDO:0020380.
Spinocerebellar ataxia type 15/16 (SCA15). Also called: Spinocerebellar Ataxia Type 15. Identifiers: Orphanet 98769, MedGen C1847725, MONDO:0011694, OMIM 606658.

Allele frequency attached by ClinVar (database versions not stated): gnomAD exomes 0.00022 and 0.00053; ExAC 0.00062; gnomAD 0.00220 and 0.00248; ESP Exome Variant Server 0.00231; 1000 Genomes Project 0.00240; 1000 Genomes Project 30x 0.00250; TOPMed 0.00256.
gnomAD v4.1: 667 of 1,613,126 alleles (0.041%); highest among the groups gnomAD compares: African/African-American, 0.79%; 3 homozygotes.

Submissions (9):

Labcorp Genetics (formerly Invitae), Labcorp
Classification: Benign. Last evaluated: 2025-12-03. Review status: criteria provided, single submitter. Criteria: Invitae Variant Classification Sherloc (09022015). Collection method: clinical testing. Allele origin: germline.

Mayo Clinic Laboratories, Mayo Clinic
Classification: Likely benign. Last evaluated: 2025-06-11. Review status: criteria provided, single submitter. Criteria: ACMG Guidelines, 2015. Collection method: clinical testing. Allele origin: germline. Observed: 2 variant alleles.
Comment: BS1, BP4, BP7

Athena Diagnostics
Classification: Benign. Last evaluated: 2024-09-27. Review status: criteria provided, single submitter. Criteria: Athena Diagnostics Criteria. Collection method: clinical testing. Allele origin: unknown.

CeGaT Center for Human Genetics Tuebingen
Classification: Likely benign. Last evaluated: 2024-09-01. Review status: criteria provided, single submitter. Criteria: CeGaT Center For Human Genetics Tuebingen Variant Classification Criteria Version 2. Collection method: clinical testing. Allele origin: germline. Affected: yes. Observed: 3 variant alleles.
Comment: ITPR1: BP4, BP7

Blueprint Genetics
Classification: Likely benign. Last evaluated: 2024-06-14. Review status: criteria provided, single submitter. Criteria: ACMG Guidelines, 2015. Collection method: clinical testing. Allele origin: germline.

Genomic Research Center, Shahid Beheshti University of Medical Sciences
Classification: Benign for Spinocerebellar ataxia type 15/16. Last evaluated: 2023-12-10. Review status: criteria provided, single submitter. Criteria: ACMG Guidelines, 2015. Collection method: clinical testing. Allele origin: inherited. Affected: yes.

GeneDx
Classification: Likely benign. Last evaluated: 2020-12-29. Review status: criteria provided, single submitter. Criteria: GeneDx Variant Classification Process June 2021. Collection method: clinical testing. Allele origin: germline. Affected: yes.

Illumina Laboratory Services, Illumina
Classification: Benign for Spinocerebellar Ataxia, Dominant. Last evaluated: 2018-01-13. Review status: criteria provided, single submitter. Criteria: ICSL Variant Classification Criteria 13 December 2019. Collection method: clinical testing. Allele origin: germline.
Comment: This variant was observed in the ICSL laboratory as part of a predisposition screen in an ostensibly healthy population. It had not been previously curated by ICSL or reported in the Human Gene Mutation Database (HGMD: prior to June 1st, 2018), and was therefore a candidate for classification through an automated scoring system. Utilizing variant allele frequency, disease prevalence and penetrance estimates, and inheritance mode, an automated score was calculated to assess if this variant is too frequent to cause the disease. Based on the score and internal cut-off values, a variant classified as benign is not then subjected to further curation. The score for this variant resulted in a classification of benign for this disease.

Eurofins Ntd Llc (ga)
Classification: Benign. Last evaluated: 2016-08-26. Review status: criteria provided, single submitter. Criteria: EGL Classification Definitions 2015. Collection method: clinical testing. Allele origin: germline. Observed: 1 variant allele, 1 heterozygote.

NM_001378452.1(ITPR1):c.3894C>T (p.Asn1298=)

Gene: ITPR1 (inositol 1,4,5-trisphosphate receptor type 1; plus strand). Cytogenetic location: 3p26.1.
Variant type: single nucleotide variant.
Coding change: c.3894C>T on transcript NM_001378452.1 (MANE Select); coding-DNA position 3894, C replaced by T.
Protein change: p.Asn1298=; no amino-acid change (asparagine 1298 retained).
Molecular consequence: synonymous variant.
Genome position (GRCh38, 1-based): chr3:4,691,209, C>T. VCF-style: chr3-4691209-C-T. GRCh37 (hg19) VCF-style: chr3-4732893-C-T.
Other names: p.Asn1274=; c.3822C>T (NM_002222.6); c.3867C>T, p.Asn1289= (NM_001099952.4); c.3849C>T, p.Asn1283= (NM_001168272.2); c.3822C>T, p.Asn1274= (NM_002222.7).
Identifiers: ClinVar variation 289460 (VCV000289460.56), dbSNP rs182840163, ClinGen allele CA2231838.
Genomic context (GRCh38, chr3:4,691,209, plus strand): 5'-GGAGGCAGTAACCATGCAGCACATCTTCATGAACAATTTCCAGCTTTGCAGTGAGATCAA[C>T]GAGAGAGTTGTTCAGCACTTCGTTCACTGCATAGAGACTCACGGTCGGAATGTCCAGTAT-3'
Protein context (NP_001365381.1, residues 1288-1308): MNNFQLCSEI[Asn1298=]ERVVQHFVHC